The following is an entry in ClinVar:

NM_001035.3(RYR2):c.2203G>C (p.Gly735Arg)

Gene: RYR2 (ryanodine receptor 2; plus strand). Cytogenetic location: 1q43.
Variant type: single nucleotide variant.
Coding change: c.2203G>C on transcript NM_001035.3 (MANE Select); coding-DNA position 2203, G replaced by C.
Protein change: p.Gly735Arg; replaces glycine 735 with arginine.
Molecular consequence: missense variant.
Genome position (GRCh38, 1-based): chr1:237,496,752, G>C. VCF-style: chr1-237496752-G-C. GRCh37 (hg19) VCF-style: chr1-237660052-G-C.
Other names: c.2203G>C (NM_001035.2); short protein forms G735R.
Identifiers: ClinVar variation 921071 (VCV000921071.11), dbSNP rs1442111387, ClinGen allele CA345392531.

ClinVar aggregate classification (germline): Uncertain significance. Review status: criteria provided, multiple submitters, no conflicts (2 of 4 stars). 4 submissions from 4 submitters: Uncertain significance (4). Last evaluated 2025-12-15.

Conditions:
Cardiovascular phenotype. Identifiers: MedGen CN230736.
Catecholaminergic polymorphic ventricular tachycardia (CVPT). Also called: Catecholamine-induced polymorphic ventricular tachycardia. Identifiers: Orphanet 3286, MedGen C5574922, MONDO:0017990.
Cardiomyopathy (CMYO). Also called: Cardiomyopathies. Identifiers: Orphanet 167848, MedGen C0878544, MONDO:0004994, HP:0001638. Inheritance: Various modes of inheritance.
Catecholaminergic polymorphic ventricular tachycardia 1. Also called: VENTRICULAR TACHYCARDIA, CATECHOLAMINERGIC POLYMORPHIC, 1, WITH OR WITHOUT ATRIAL DYSFUNCTION AND/OR DILATED CARDIOMYOPATHY; RYR2-Related Catecholaminergic Polymorphic Ventricular Tachycardia; VENTRICULAR TACHYCARDIA, STRESS-INDUCED POLYMORPHIC 1. Identifiers: Orphanet 3286, MedGen C1631597, MONDO:0011484, OMIM 604772.

Allele frequency attached by ClinVar (database versions not stated): TOPMed 0.00001.

Submissions (4):

Labcorp Genetics (formerly Invitae), Labcorp
Classification: Uncertain significance for Catecholaminergic polymorphic ventricular tachycardia 1. Last evaluated: 2025-12-15. Review status: criteria provided, single submitter. Criteria: Invitae Variant Classification Sherloc (09022015). Collection method: clinical testing. Allele origin: germline.
Comment: This sequence change replaces glycine, which is neutral and non-polar, with arginine, which is basic and polar, at codon 735 of the RYR2 protein (p.Gly735Arg). This variant is not present in population databases (gnomAD no frequency). This variant has not been reported in the literature in individuals affected with RYR2-related conditions. ClinVar contains an entry for this variant (Variation ID: 921071). An algorithm developed to predict the effect of missense changes on protein structure and function (PolyPhen-2) suggests that this variant is likely to be disruptive. Algorithms developed to predict the effect of sequence changes on RNA splicing suggest that this variant may disrupt the consensus splice site. In summary, the available evidence is currently insufficient to determine the role of this variant in disease. Therefore, it has been classified as a Variant of Uncertain Significance.

Color Diagnostics, LLC DBA Color Health
Classification: Uncertain significance for Cardiomyopathy. Last evaluated: 2025-05-27. Review status: criteria provided, single submitter. Criteria: ACMG Guidelines, 2015. Collection method: clinical testing. Allele origin: germline.
Comment: This variant is located in the RYR2 protein. Computational prediction is inconclusive regarding the impact of this variant on protein structure and function. To our knowledge, functional studies have not been reported for this variant. This variant has not been reported in individuals affected with RYR2-related disorders in the literature. This variant has not been identified in the general population by the Genome Aggregation Database (gnomAD). The available evidence is insufficient to determine the role of this variant in disease conclusively. Therefore, this variant is classified as a Variant of Uncertain Significance.

All of Us Research Program, National Institutes of Health
Classification: Uncertain significance for Catecholaminergic polymorphic ventricular tachycardia. Last evaluated: 2023-08-15. Review status: criteria provided, single submitter. Criteria: ACMG Guidelines, 2015. Collection method: clinical testing. Allele origin: germline. Inheritance: Autosomal dominant inheritance. Observed: 1 variant allele, 1 heterozygote.
Comment: This variant is located in the RYR2 protein. Computational prediction is inconclusive regarding the impact of this variant on protein structure and function (internally defined REVEL score threshold 0.5 < inconclusive < 0.7, PMID: 27666373). To our knowledge, functional studies have not been reported for this variant. This variant has not been reported in individuals affected with cardiovascular disorders in the literature. This variant has not been identified in the general population by the Genome Aggregation Database (gnomAD). The available evidence is insufficient to determine the role of this variant in disease conclusively. Therefore, this variant is classified as a Variant of Uncertain Significance.

This study involves interpretation of variants in research participants for the purpose of population health screening. Participant phenotype was not available at the time of variant classification. Additional details can be found in publication PMID: 35346344, PMCID: PMC8962531

Ambry Genetics
Classification: Uncertain significance for Cardiovascular phenotype. Last evaluated: 2023-06-16. Review status: criteria provided, single submitter. Criteria: Ambry Variant Classification Scheme 2023. Collection method: clinical testing. Allele origin: germline.
Comment: The p.G735R variant (also known as c.2203G>C), located in coding exon 20 of the RYR2 gene, results from a G to C substitution at nucleotide position 2203. The amino acid change results in glycine to arginine at codon 735, an amino acid with dissimilar properties. However, this change occurs in the last base pair of coding exon 20, which makes it likely to have some effect on normal mRNA splicing. This nucleotide position is highly conserved in available vertebrate species. In silico splice site analysis for this alteration is inconclusive. This amino acid position is highly conserved in available vertebrate species. In addition, as a missense substitution this is predicted to be inconclusive by in silico analysis. In addition, loss of function of RYR2 has not been established as a mechanism of disease. Since supporting evidence is limited at this time, the clinical significance of this alteration remains unclear.